The following is an entry in ClinVar:

NM_000123.4(ERCC5):c.2218G>C (p.Glu740Gln)

Genes: BIVM-ERCC5 (BIVM-ERCC5 readthrough; plus strand), ERCC5 (ERCC excision repair 5, endonuclease; plus strand), LOC126861834 (BRD4-independent group 4 enhancer GRCh37_chr13:103518038-103519237; plus strand). Cytogenetic location: 13q33.1.
Variant type: single nucleotide variant.
Coding change: c.2218G>C on transcript NM_000123.4 (MANE Select); coding-DNA position 2218, G replaced by C.
Protein change: p.Glu740Gln; replaces glutamic acid 740 with glutamine.
Molecular consequence: missense variant.
Genome position (GRCh38, 1-based): chr13:102,866,280, G>C. VCF-style: chr13-102866280-G-C. GRCh37 (hg19) VCF-style: chr13-103518630-G-C.
Other names: c.3580G>C, p.Glu1194Gln (NM_001204425.2); short protein forms E1194Q, E740Q.
Identifiers: ClinVar variation 2429494 (VCV002429494.1), dbSNP rs1882833784, ClinGen allele CA388575955.

ClinVar aggregate classification (germline): Uncertain significance (1 of 4 stars; one submission).

Submission:

GeneDx
Classification: Uncertain significance. Last evaluated: 2022-08-11. Review status: criteria provided, single submitter. Criteria: GeneDx Variant Classification Process June 2021. Collection method: clinical testing. Allele origin: germline. Affected: yes.
Comment: Not observed at significant frequency in large population cohorts (gnomAD); In silico analysis supports that this missense variant does not alter protein structure/function; Has not been previously published as pathogenic or benign to our knowledge